The following is an entry in ClinVar:

ClinVar aggregate classification (germline): Uncertain significance. Review status: criteria provided, multiple submitters, no conflicts (2 of 4 stars). 4 submissions from 4 submitters: Uncertain significance (4). Last evaluated 2024-10-28.

Conditions:
Cardiovascular phenotype. Identifiers: MedGen CN230736.
Alstrom syndrome (ALMS). Identifiers: Orphanet 64, MedGen C0268425, MONDO:0008763, OMIM 203800.

Allele frequency attached by ClinVar (database versions not stated): gnomAD exomes below 0.00001 and 0.00001; gnomAD 0.00002; TOPMed 0.00002.
gnomAD v4.1: 12 of 1,613,888 alleles (0.00074%); highest among the groups gnomAD compares: African/African-American, 0.0067%; no homozygotes.

Submissions (4):

Labcorp Genetics (formerly Invitae), Labcorp
Classification: Uncertain significance for Alstrom syndrome. Last evaluated: 2024-10-28. Review status: criteria provided, single submitter. Criteria: Invitae Variant Classification Sherloc (09022015). Collection method: clinical testing. Allele origin: germline.
Comment: This sequence change replaces glutamic acid with lysine at codon 1955 of the ALMS1 protein (p.Glu1955Lys). The glutamic acid residue is weakly conserved and there is a small physicochemical difference between glutamic acid and lysine. This variant is present in population databases (no rsID available, gnomAD 0.01%). This variant has not been reported in the literature in individuals affected with ALMS1-related conditions. ClinVar contains an entry for this variant (Variation ID: 1310177). Experimental studies and prediction algorithms are not available or were not evaluated, and the functional significance of this variant is currently unknown. In summary, the available evidence is currently insufficient to determine the role of this variant in disease. Therefore, it has been classified as a Variant of Uncertain Significance.

GeneDx
Classification: Uncertain significance. Last evaluated: 2024-02-12. Review status: criteria provided, single submitter. Criteria: GeneDx Variant Classification Process June 2021. Collection method: clinical testing. Allele origin: germline. Affected: yes.
Comment: Has not been previously published as pathogenic or benign to our knowledge; In silico analysis supports that this missense variant does not alter protein structure/function; Not observed at significant frequency in large population cohorts (gnomAD)

Fulgent Genetics
Classification: Uncertain significance for Alstrom syndrome. Last evaluated: 2022-04-22. Review status: criteria provided, single submitter. Criteria: ACMG Guidelines, 2015. Collection method: clinical testing. Allele origin: unknown.

Ambry Genetics
Classification: Uncertain significance for Cardiovascular phenotype. Last evaluated: 2022-02-08. Review status: criteria provided, single submitter. Criteria: Ambry Variant Classification Scheme 2023. Collection method: clinical testing. Allele origin: germline.
Comment: The p.E1955K variant (also known as c.5863G>A), located in coding exon 8 of the ALMS1 gene, results from a G to A substitution at nucleotide position 5863. The glutamic acid at codon 1955 is replaced by lysine, an amino acid with similar properties. This amino acid position is poorly conserved in available vertebrate species. In addition, this alteration is predicted to be tolerated by in silico analysis. Since supporting evidence is limited at this time, the clinical significance of this alteration remains unclear.

NM_001378454.1(ALMS1):c.5860G>A (p.Glu1954Lys)

Gene: ALMS1 (ALMS1 centrosome and basal body associated protein; plus strand). Cytogenetic location: 2p13.1.
Variant type: single nucleotide variant.
Coding change: c.5860G>A on transcript NM_001378454.1 (MANE Select); coding-DNA position 5860, G replaced by A.
Protein change: p.Glu1954Lys; replaces glutamic acid 1954 with lysine.
Molecular consequence: missense variant.
Genome position (GRCh38, 1-based): chr2:73,452,387, G>A. VCF-style: chr2-73452387-G-A. GRCh37 (hg19) VCF-style: chr2-73679514-G-A.
Other names: c.5863G>A, p.Glu1955Lys (NM_015120.4); short protein forms E1954K, E1955K.
Identifiers: ClinVar variation 1310177 (VCV001310177.9), dbSNP rs1313974028, ClinGen allele CA347283609.